The following is an entry in ClinVar:

ClinVar aggregate classification (germline): Uncertain significance (1 of 4 stars; one submission).

Allele frequency attached by ClinVar (database versions not stated): ExAC 0.00001; gnomAD 0.00001; gnomAD exomes 0.00001; TOPMed 0.00003.
gnomAD v4.1: 10 of 1,613,986 alleles (0.00062%); highest among the groups gnomAD compares: Admixed American, 0.0033%; no homozygotes.

Submission:

Labcorp Genetics (formerly Invitae), Labcorp
Classification: Uncertain significance. Last evaluated: 2024-12-09. Review status: criteria provided, single submitter. Criteria: Invitae Variant Classification Sherloc (09022015). Collection method: clinical testing. Allele origin: germline.
Comment: This sequence change replaces arginine, which is basic and polar, with glutamine, which is neutral and polar, at codon 506 of the NBAS protein (p.Arg506Gln). This variant is present in population databases (rs772114231, gnomAD 0.003%). This variant has not been reported in the literature in individuals affected with NBAS-related conditions. ClinVar contains an entry for this variant (Variation ID: 1524243). Invitae Evidence Modeling of protein sequence and biophysical properties (such as structural, functional, and spatial information, amino acid conservation, physicochemical variation, residue mobility, and thermodynamic stability) has been performed for this missense variant. However, the output from this modeling did not meet the statistical confidence thresholds required to predict the impact of this variant on NBAS protein function. In summary, the available evidence is currently insufficient to determine the role of this variant in disease. Therefore, it has been classified as a Variant of Uncertain Significance.

NM_015909.4(NBAS):c.1517G>A (p.Arg506Gln)

Gene: NBAS (NBAS subunit of NRZ tethering complex; minus strand). Cytogenetic location: 2p24.3.
Variant type: single nucleotide variant.
Coding change: c.1517G>A on transcript NM_015909.4 (MANE Select); coding-DNA position 1517, G replaced by A.
Protein change: p.Arg506Gln; replaces arginine 506 with glutamine.
Molecular consequence: missense variant. On other transcripts: non-coding transcript variant (1).
Genome position (GRCh38, 1-based): chr2:15,474,149, C>T on the plus strand (G>A on the coding strand, the complement: NBAS is on the minus strand). VCF-style: chr2-15474149-C-T. GRCh37 (hg19) VCF-style: chr2-15614273-C-T.
Other names: short protein forms R506Q.
Identifiers: ClinVar variation 1524243 (VCV001524243.5), dbSNP rs772114231, ClinGen allele CA1536662.